The following is an entry in ClinVar:

ClinVar aggregate classification (germline): Uncertain significance (1 of 4 stars; one submission).

Submission:

Labcorp Genetics (formerly Invitae), Labcorp
Classification: Uncertain significance. Last evaluated: 2025-09-30. Review status: criteria provided, single submitter. Criteria: Invitae Variant Classification Sherloc (09022015). Collection method: clinical testing. Allele origin: germline.
Comment: This sequence change replaces threonine, which is neutral and polar, with isoleucine, which is neutral and non-polar, at codon 213 of the HK1 protein (p.Thr213Ile). This variant is not present in population databases (gnomAD no frequency). This variant has not been reported in the literature in individuals affected with HK1-related conditions. Invitae Evidence Modeling of protein sequence and biophysical properties (such as structural, functional, and spatial information, amino acid conservation, physicochemical variation, residue mobility, and thermodynamic stability) indicates that this missense variant is not expected to disrupt HK1 protein function with a negative predictive value of 80%. In summary, the available evidence is currently insufficient to determine the role of this variant in disease. Therefore, it has been classified as a Variant of Uncertain Significance.

NM_000188.3(HK1):c.638C>T (p.Thr213Ile)

Gene: HK1 (hexokinase 1; plus strand). Cytogenetic location: 10q22.1.
Variant type: single nucleotide variant.
Coding change: c.638C>T on transcript NM_000188.3 (MANE Select); coding-DNA position 638, C replaced by T.
Protein change: p.Thr213Ile; replaces threonine 213 with isoleucine.
Molecular consequence: missense variant. On other transcripts: 5 prime UTR variant (3), non-coding transcript variant (2).
Genome position (GRCh38, 1-based): chr10:69,369,283, C>T. VCF-style: chr10-69369283-C-T. GRCh37 (hg19) VCF-style: chr10-71129039-C-T.
Other names: c.650C>T, p.Thr217Ile (NM_001322364.2, NM_001358263.1, NM_033497.3 and 1 more transcripts); c.743C>T, p.Thr248Ile (NM_001322365.2); c.554C>T, p.Thr185Ile (NM_001322366.1, NM_001441143.1); c.542C>T, p.Thr181Ile (NM_001322367.1); c.638C>T, p.Thr213Ile (NM_001441139.1, NM_001441141.1, NM_001441145.1 and 3 more transcripts); c.629C>T, p.Thr210Ile (NM_001441140.1); c.596C>T, p.Thr199Ile (NM_001441142.1); c.518C>T, p.Thr173Ile (NM_001441144.1); and 7 more; short protein forms T185I, T139I, T181I, T201I, T210I, T212I, T213I, T248I.
Identifiers: ClinVar variation 4743892 (VCV004743892.1).